The following is an entry in ClinVar:

NM_001205293.3(CACNA1E):c.2804C>T (p.Ser935Leu)

Gene: CACNA1E (calcium voltage-gated channel subunit alpha1 E; plus strand). Cytogenetic location: 1q25.3.
Variant type: single nucleotide variant.
Coding change: c.2804C>T on transcript NM_001205293.3 (MANE Select); coding-DNA position 2804, C replaced by T.
Protein change: p.Ser935Leu; replaces serine 935 with leucine.
Molecular consequence: missense variant.
Genome position (GRCh38, 1-based): chr1:181,732,890, C>T. VCF-style: chr1-181732890-C-T. GRCh37 (hg19) VCF-style: chr1-181702026-C-T.
Other names: c.2804C>T, p.Ser935Leu (NM_000721.4); c.2747C>T, p.Ser916Leu (NM_001205294.2); short protein forms S916L, S935L.
Identifiers: ClinVar variation 1524461 (VCV001524461.6), dbSNP rs2102553064, ClinGen allele CA343619036.

ClinVar aggregate classification (germline): Uncertain significance (1 of 4 stars; one submission).

Allele frequency attached by ClinVar (database versions not stated): gnomAD exomes below 0.00001.
gnomAD v4.1: 1 of 1,614,010 alleles (0.000062%); highest among the groups gnomAD compares: African/African-American, 0.0013%; no homozygotes.

Submission:

Labcorp Genetics (formerly Invitae), Labcorp
Classification: Uncertain significance. Last evaluated: 2022-03-18. Review status: criteria provided, single submitter. Criteria: Invitae Variant Classification Sherloc (09022015). Collection method: clinical testing. Allele origin: germline.
Comment: This sequence change replaces serine, which is neutral and polar, with leucine, which is neutral and non-polar, at codon 935 of the CACNA1E protein (p.Ser935Leu). This variant is not present in population databases (gnomAD no frequency). This variant has not been reported in the literature in individuals affected with CACNA1E-related conditions. Advanced modeling of protein sequence and biophysical properties (such as structural, functional, and spatial information, amino acid conservation, physicochemical variation, residue mobility, and thermodynamic stability) performed at Invitae indicates that this missense variant is not expected to disrupt CACNA1E protein function. In summary, the available evidence is currently insufficient to determine the role of this variant in disease. Therefore, it has been classified as a Variant of Uncertain Significance.